The following is an entry in ClinVar:

NM_000368.5(TSC1):c.2138C>G (p.Ala713Gly)

Gene: TSC1 (TSC complex subunit 1; minus strand). Cytogenetic location: 9q34.13.
Variant type: single nucleotide variant.
Coding change: c.2138C>G on transcript NM_000368.5 (MANE Select); coding-DNA position 2138, C replaced by G.
Protein change: p.Ala713Gly; replaces alanine 713 with glycine.
Molecular consequence: missense variant. On other transcripts: non-coding transcript variant (4).
Genome position (GRCh38, 1-based): chr9:132,903,721, G>C on the plus strand (C>G on the coding strand, the complement: TSC1 is on the minus strand). VCF-style: chr9-132903721-G-C. GRCh37 (hg19) VCF-style: chr9-135779108-G-C.
Other names: c.2135C>G, p.Ala712Gly (NM_001162426.2, NM_001406600.1, NM_001406608.1 and 4 more transcripts); c.2123C>G, p.Ala708Gly (NM_001406601.1, NM_001406602.1); c.2120C>G, p.Ala707Gly (NM_001406603.1, NM_001406604.1); c.2138C>G, p.Ala713Gly (NM_001406605.1, NM_001406606.1, NM_001406607.1 and 5 more transcripts); c.1775C>G, p.Ala592Gly (NM_001406619.1, NM_001406624.1, NM_001362177.2 and 5 more transcripts); c.1772C>G, p.Ala591Gly (NM_001406620.1, NM_001406621.1, NM_001406622.1 and 2 more transcripts); c.1187C>G, p.Ala396Gly (NM_001406626.1); c.1184C>G, p.Ala395Gly (NM_001406627.1, NM_001406628.1); and 3 more; short protein forms A395G, A396G, A661G, A662G, A707G, A708G, A713G, A712G.
Identifiers: ClinVar variation 2620304 (VCV002620304.5), dbSNP rs1286421874, ClinGen allele CA375360931.

ClinVar aggregate classification (germline): Conflicting classifications of pathogenicity. Review status: criteria provided, conflicting classifications (1 of 4 stars). 2 submissions from 2 submitters: Uncertain significance (1); Likely benign (1). Last evaluated 2023-09-26.

Conditions:
Hereditary cancer-predisposing syndrome. Also called: Tumor predisposition; Neoplastic Syndromes, Hereditary; Hereditary Cancer Syndrome; Hereditary neoplastic syndrome. Identifiers: Orphanet 140162, MedGen C0027672, MeSH D009386, MONDO:0015356.
Tuberous sclerosis 1 (TSC1). Identifiers: Orphanet 805, MedGen C1854465, MONDO:0008612, OMIM 191100.

Allele frequency attached by ClinVar (database versions not stated): gnomAD exomes below 0.00001.
gnomAD v4.1: 1 of 1,613,228 alleles (0.000062%); highest among the groups gnomAD compares: Non-Finnish European, 0.000085%; no homozygotes.

Submissions (2):

Labcorp Genetics (formerly Invitae), Labcorp
Classification: Likely benign for Tuberous sclerosis 1. Last evaluated: 2023-09-26. Review status: criteria provided, single submitter. Criteria: Invitae Variant Classification Sherloc (09022015). Collection method: clinical testing. Allele origin: germline.

Ambry Genetics
Classification: Uncertain significance for Hereditary cancer-predisposing syndrome. Last evaluated: 2023-08-30. Review status: criteria provided, single submitter. Criteria: Ambry Variant Classification Scheme 2023. Collection method: clinical testing. Allele origin: germline.
Comment: The p.A713G variant (also known as c.2138C>G), located in coding exon 15 of the TSC1 gene, results from a C to G substitution at nucleotide position 2138. The alanine at codon 713 is replaced by glycine, an amino acid with similar properties. This amino acid position is conserved. In addition, this alteration is predicted to be deleterious by in silico analysis. Since supporting evidence is limited at this time, the clinical significance of this alteration remains unclear.